The following is an entry in ClinVar:

NM_002485.5(NBN):c.698A>T (p.Lys233Ile)

Gene: NBN (nibrin; minus strand). Cytogenetic location: 8q21.3.
Variant type: single nucleotide variant.
Coding change: c.698A>T on transcript NM_002485.5 (MANE Select); coding-DNA position 698, A replaced by T.
Protein change: p.Lys233Ile; replaces lysine 233 with isoleucine.
Molecular consequence: missense variant.
Genome position (GRCh38, 1-based): chr8:89,971,177, T>A on the plus strand (A>T on the coding strand, the complement: NBN is on the minus strand). VCF-style: chr8-89971177-T-A. GRCh37 (hg19) VCF-style: chr8-90983405-T-A.
Other names: c.452A>T, p.Lys151Ile (NM_001024688.3); short protein forms K151I, K233I.
Identifiers: ClinVar variation 3877900 (VCV003877900.1).
Genomic context (GRCh38, chr8:89,971,177, plus strand): 5'-ATGTATCCTAGTTTGTAATGTATTCTTTAGGAAAATTTAGCTTATAACATAATTACCTGT[T>A]TGGCATTCAAAAATATAAATGTTTTCCCTTTGAAGATTTGTTTTCTTTCCTGCCGTCCTG-3'
Protein context (NP_002476.2, residues 223-243): KGKTFIFLNA[Lys233Ile]QHKKLSSAVV

ClinVar aggregate classification (germline): Uncertain significance (1 of 4 stars; one submission).

Conditions:
Hereditary cancer-predisposing syndrome. Also called: Tumor predisposition; Neoplastic Syndromes, Hereditary; Hereditary Cancer Syndrome; Hereditary neoplastic syndrome. Identifiers: Orphanet 140162, MedGen C0027672, MeSH D009386, MONDO:0015356.

Submission:

Ambry Genetics
Classification: Uncertain significance for Hereditary cancer-predisposing syndrome. Last evaluated: 2025-02-05. Review status: criteria provided, single submitter. Criteria: Ambry Variant Classification Scheme 2023. Collection method: clinical testing. Allele origin: germline.
Comment: The p.K233I variant (also known as c.698A>T), located in coding exon 6 of the NBN gene, results from an A to T substitution at nucleotide position 698. The lysine at codon 233 is replaced by isoleucine, an amino acid with dissimilar properties. This amino acid position is conserved. In addition, the in silico prediction for this alteration is inconclusive. Based on the available evidence, the clinical significance of this variant remains unclear.